The following is an entry in ClinVar:

ClinVar aggregate classification (germline): Likely benign. Review status: criteria provided, single submitter (1 of 4 stars). 2 submissions from 2 submitters: Likely benign (1). 1 of the submissions does not count toward it. Last evaluated 2022-05-29.

Conditions:
GDF1-related disorder. Also called: GDF1-related condition.

Allele frequency attached by ClinVar (database versions not stated): gnomAD exomes 0.00002 and 0.00006.
gnomAD v4.1: 15 of 1,572,922 alleles (0.00095%); highest among the groups gnomAD compares: Admixed American, 0.024%; no homozygotes.

Submissions (2):

Labcorp Genetics (formerly Invitae), Labcorp
Classification: Likely benign. Last evaluated: 2022-05-29. Review status: criteria provided, single submitter. Criteria: Invitae Variant Classification Sherloc (09022015). Collection method: clinical testing. Allele origin: germline.

PreventionGenetics, part of Exact Sciences
Classification: Likely benign for GDF1-related condition. Last evaluated: 2019-06-07. Review status: no assertion criteria provided. Collection method: clinical testing. Allele origin: germline. Not counted in ClinVar's aggregate classification.
Comment: This variant is classified as likely benign based on ACMG/AMP sequence variant interpretation guidelines (Richards et al. 2015 PMID: 25741868, with internal and published modifications).

NM_001492.6(GDF1):c.1041G>T (p.Val347=)

Genes: CERS1 (ceramide synthase 1; minus strand), GDF1 (growth differentiation factor 1; minus strand). Cytogenetic location: 19p13.11.
Variant type: single nucleotide variant.
Coding change: c.1041G>T on transcript NM_001492.6 (MANE Select); coding-DNA position 1041, G replaced by T.
Protein change: p.Val347=; no amino-acid change (valine 347 retained).
Molecular consequence: synonymous variant. On other transcripts: 3 prime UTR variant (2).
Genome position (GRCh38, 1-based): chr19:18,868,675, C>A on the plus strand (G>T on the coding strand, the complement: GDF1 is on the minus strand). VCF-style: chr19-18868675-C-A. GRCh37 (hg19) VCF-style: chr19-18979484-C-A.
Other names: c.*1902G>T (NM_001387440.1); c.*1310G>T (NM_021267.5); c.1041G>T, p.Val347= (NM_001387438.1).
Identifiers: ClinVar variation 1085392 (VCV001085392.11), dbSNP rs1467016544, ClinGen allele CA506118175.